The following is an entry in ClinVar:

NM_004380.3(CREBBP):c.5847C>A (p.Ala1949=)

Gene: CREBBP (CREB binding lysine acetyltransferase; minus strand). Cytogenetic location: 16p13.3.
Variant type: single nucleotide variant.
Coding change: c.5847C>A on transcript NM_004380.3 (MANE Select); coding-DNA position 5847, C replaced by A.
Protein change: p.Ala1949=; no amino-acid change (alanine 1949 retained).
Molecular consequence: synonymous variant.
Genome position (GRCh38, 1-based): chr16:3,729,200, G>T on the plus strand (C>A on the coding strand, the complement: CREBBP is on the minus strand). VCF-style: chr16-3729200-G-T. GRCh37 (hg19) VCF-style: chr16-3779201-G-T.
Other names: c.5733C>A, p.Ala1911= (NM_001079846.1).
Identifiers: ClinVar variation 4992969 (VCV004992969.1).

ClinVar aggregate classification (germline): Likely benign (1 of 4 stars; one submission).

Conditions:
CREBBP-related disorder. Also called: CREBBP-related condition; CREBBP-related disorders.

Submission:

PreventionGenetics, part of Exact Sciences
Classification: Likely benign for CREBBP-related condition. Last evaluated: 2026-02-17. Review status: criteria provided, single submitter. Criteria: ACMG Guidelines, 2015. Collection method: clinical testing. Allele origin: germline.
Comment: This variant is classified as likely benign based on ACMG/AMP sequence variant interpretation guidelines (Richards et al. 2015 PMID: 25741868, with internal and published modifications).